The following is an entry in ClinVar:

ClinVar aggregate classification (germline): Conflicting classifications of pathogenicity. Review status: criteria provided, conflicting classifications (1 of 4 stars). 2 submissions from 2 submitters: Uncertain significance (1); Likely benign (1). Last evaluated 2025-07-11.

Conditions:
Baller-Gerold syndrome (BGS). Also called: CRANIOSYNOSTOSIS WITH RADIAL DEFECTS. Identifiers: Orphanet 1225, MedGen C0265308, MONDO:0009039, OMIM 218600.
Inborn genetic diseases. Identifiers: MedGen C0950123, MeSH D030342.

Allele frequency attached by ClinVar (database versions not stated): gnomAD 0.00001; gnomAD exomes 0.00001; TOPMed below 0.00001.
gnomAD v4.1: 17 of 1,612,356 alleles (0.0011%); highest among the groups gnomAD compares: Non-Finnish European, 0.0012%; no homozygotes.

Submissions (2):

Ambry Genetics
Classification: Likely benign for Inborn genetic diseases. Last evaluated: 2025-07-11. Review status: criteria provided, single submitter. Criteria: Ambry Variant Classification Scheme 2023. Collection method: clinical testing. Allele origin: germline.

Labcorp Genetics (formerly Invitae), Labcorp
Classification: Uncertain significance for Baller-Gerold syndrome. Last evaluated: 2024-01-26. Review status: criteria provided, single submitter. Criteria: Invitae Variant Classification Sherloc (09022015). Collection method: clinical testing. Allele origin: germline.
Comment: This sequence change replaces alanine, which is neutral and non-polar, with serine, which is neutral and polar, at codon 414 of the RECQL4 protein (p.Ala414Ser). This variant is not present in population databases (gnomAD no frequency). This variant has not been reported in the literature in individuals affected with RECQL4-related conditions. ClinVar contains an entry for this variant (Variation ID: 529043). Advanced modeling of protein sequence and biophysical properties (such as structural, functional, and spatial information, amino acid conservation, physicochemical variation, residue mobility, and thermodynamic stability) performed at Invitae indicates that this missense variant is not expected to disrupt RECQL4 protein function with a negative predictive value of 80%. In summary, the available evidence is currently insufficient to determine the role of this variant in disease. Therefore, it has been classified as a Variant of Uncertain Significance.

NM_004260.4(RECQL4):c.1240G>T (p.Ala414Ser)

Gene: RECQL4 (RecQ like helicase 4; minus strand). Cytogenetic location: 8q24.3.
Variant type: single nucleotide variant.
Coding change: c.1240G>T on transcript NM_004260.4 (MANE Select); coding-DNA position 1240, G replaced by T.
Protein change: p.Ala414Ser; replaces alanine 414 with serine.
Molecular consequence: missense variant.
Genome position (GRCh38, 1-based): chr8:144,515,782, C>A on the plus strand (G>T on the coding strand, the complement: RECQL4 is on the minus strand). VCF-style: chr8-144515782-C-A. GRCh37 (hg19) VCF-style: chr8-145741166-C-A.
Other names: short protein forms A414S.
Identifiers: ClinVar variation 529043 (VCV000529043.5), dbSNP rs1188265182, ClinGen allele CA372687289.